The following is an entry in ClinVar:

NM_014712.3(SETD1A):c.4692+5G>A

Gene: SETD1A (SET domain containing 1A, histone lysine methyltransferase; plus strand). Cytogenetic location: 16p11.2.
Variant type: single nucleotide variant.
Coding change: c.4692+5G>A on transcript NM_014712.3 (MANE Select); 5 bases into the intron after coding-DNA position 4692, G replaced by A.
Molecular consequence: intron variant.
Genome position (GRCh38, 1-based): chr16:30,980,854, G>A. VCF-style: chr16-30980854-G-A. GRCh37 (hg19) VCF-style: chr16-30992175-G-A.
Identifiers: ClinVar variation 489089 (VCV000489089.2), dbSNP rs1555491554, ClinGen allele CA658683937.
Genomic context (GRCh38, chr16:30,980,854, plus strand): 5'-CCATCGGTACCTCCGCCATCATGGACAGTGACCTGCTGAAACTCAACCAGCTCAAGGTGA[G>A]GCTGGGCTGCAGGAGGGGCTGGGTGGGGTGGGGTGGGGCAGGAAGGGGCAGAGGCCAGGG-3'

ClinVar aggregate classification (germline): Uncertain significance (1 of 4 stars; one submission).

Submission:

GeneDx
Classification: Uncertain significance. Last evaluated: 2017-11-09. Review status: criteria provided, single submitter. Criteria: GeneDx Variant Classification (06012015). Collection method: clinical testing. Allele origin: germline. Affected: yes.
Comment: The c.4692+5G>A variant in the SETD1A gene has not been reported previously as a pathogenic variant nor as a benign variant, to our knowledge. This variant reduces the quality of the splice donor site in intron 16, and may cause abnormal gene splicing. The c.4692+5G>A variant is not observed in large population cohorts (Lek et al., 2016). We interpret c.4692+5G>A as a variant of uncertain significance.